The following is an entry in ClinVar:

NM_017617.5(NOTCH1):c.2153A>G (p.Asn718Ser)

Gene: NOTCH1 (notch receptor 1; minus strand). Cytogenetic location: 9q34.3.
Variant type: single nucleotide variant.
Coding change: c.2153A>G on transcript NM_017617.5 (MANE Select); coding-DNA position 2153, A replaced by G.
Protein change: p.Asn718Ser; replaces asparagine 718 with serine.
Molecular consequence: missense variant.
Genome position (GRCh38, 1-based): chr9:136,514,564, T>C on the plus strand (A>G on the coding strand, the complement: NOTCH1 is on the minus strand). VCF-style: chr9-136514564-T-C. GRCh37 (hg19) VCF-style: chr9-139409016-T-C.
Other names: short protein forms N718S.
Identifiers: ClinVar variation 1029477 (VCV001029477.10), dbSNP rs1843232044, ClinGen allele CA375558629.
Genomic context (GRCh38, chr9:136,514,564, plus strand): 5'-GCATACCCGTTGAGGCTGTCCCGGCAGGCCCCGTGGACGCAGGGGTTGCTGTTGCACTCA[T>C]TGACCTCAGACAGGCAGGTGGGGTCGTGGTAGCCCTCGGGGCAGCGGCAGGTGAAGCCAT-3'
Protein context (NP_060087.3, residues 708-728): YHDPTCLSEV[Asn718Ser]ECNSNPCVHG

ClinVar aggregate classification (germline): Conflicting classifications of pathogenicity. Review status: criteria provided, conflicting classifications (1 of 4 stars). 5 submissions from 5 submitters: Likely pathogenic (2); Uncertain significance (3). Last evaluated 2026-10-01.

Conditions:
Aortic valve disease 1 (AOVD1). Identifiers: MedGen C3887892, MONDO:0024523, OMIM 109730.
Adams-Oliver syndrome 5 (AOS5). Identifiers: Orphanet 974, MedGen C4014970, MONDO:0014459, OMIM 616028.

Submissions (5):

GeneDx
Classification: Likely pathogenic. Last evaluated: 2026-10-01. Review status: criteria provided, single submitter. Criteria: GeneDx Variant Classification Process June 2021. Collection method: clinical testing. Allele origin: germline.
Comment: Not observed at significant frequency in large population cohorts (gnomAD); RNA studies demonstrate a damaging effect through activation of a cryptic splice donor and consequent loss of function (PMID: 40420130); In silico analyses support that this missense variant does not alter protein structure/function but has a deleterious effect on splicing; This variant is associated with the following publications: (PMID: 35947102, 29555671, 31813956, 40420130)

Blueprint Genetics
Classification: Uncertain significance. Last evaluated: 2024-07-16. Review status: criteria provided, single submitter. Criteria: ACMG Guidelines, 2015. Collection method: clinical testing. Allele origin: germline.

Labcorp Genetics (formerly Invitae), Labcorp
Classification: Uncertain significance for Adams-Oliver syndrome 5. Last evaluated: 2021-12-18. Review status: criteria provided, single submitter. Criteria: Invitae Variant Classification Sherloc (09022015). Collection method: clinical testing. Allele origin: germline.
Comment: In summary, the available evidence is currently insufficient to determine the role of this variant in disease. Therefore, it has been classified as a Variant of Uncertain Significance. Algorithms developed to predict the effect of sequence changes on RNA splicing suggest that this variant may create or strengthen a splice site. Advanced modeling of protein sequence and biophysical properties (such as structural, functional, and spatial information, amino acid conservation, physicochemical variation, residue mobility, and thermodynamic stability) performed at Invitae indicates that this missense variant is not expected to disrupt NOTCH1 protein function. ClinVar contains an entry for this variant (Variation ID: 1029477). This missense change has been observed in individual(s) with NOTCH1-related conditions (PMID: 29555671). This variant is not present in population databases (gnomAD no frequency). This sequence change replaces asparagine, which is neutral and polar, with serine, which is neutral and polar, at codon 718 of the NOTCH1 protein (p.Asn718Ser).

Baylor Genetics
Classification: Likely pathogenic for Adams-Oliver syndrome 5. Last evaluated: 2020-03-17. Review status: criteria provided, single submitter. Criteria: ACMG Guidelines, 2015. Collection method: clinical testing. Allele origin: unknown. Affected: yes.
Comment: This variant was determined to be likely pathogenic according to ACMG Guidelines, 2015 [PMID:25741868].

Juno Genomics, Hangzhou Juno Genomics, Inc
Classification: Uncertain significance for Adams-Oliver syndrome 5; Aortic valve disease 1. Review status: criteria provided, single submitter. Criteria: ACMG Guidelines, 2015. Collection method: clinical testing. Allele origin: germline. Affected: yes.
Comment: Absent from controls (or at extremely low frequency if recessive) in Genome Aggregation Database, Exome Sequencing Project, 1000 Genomes Project, or Exome Aggregation Consortium.;De novo (both maternity and paternity confirmed) in a patient with the disease and no family history.;The prevalence of the variant in affected individuals is significantly increased compared to the prevalence in controls.;Missense variant in a gene that has a low rate of benign missense variation and where missense variants are a common mechanism of disease.;Patient's phenotype or family history is highly specific for a disease with a single genetic etiology.

Literature cited by the submitters: PubMed 29555671 (cited by Labcorp Genetics (formerly Invitae), Labcorp).